The following is an entry in ClinVar:

NM_194277.3(FRMD7):c.1A>G (p.Met1Val)

Gene: FRMD7 (FERM domain containing 7; minus strand). Cytogenetic location: Xq26.2.
Variant type: single nucleotide variant.
Coding change: c.1A>G on transcript NM_194277.3 (MANE Select); coding-DNA position 1, A replaced by G.
Protein change: p.Met1Val; changes the start codon (methionine 1).
Molecular consequence: missense variant, initiator codon variant.
Genome position (GRCh38, 1-based): chrX:132,127,844, T>C on the plus strand (A>G on the coding strand, the complement: FRMD7 is on the minus strand). VCF-style: chrX-132127844-T-C. GRCh37 (hg19) VCF-style: chrX-131261872-T-C.
Other names: c.1A>G, p.Met1Val (NM_001306193.2); short protein forms M1V.
Identifiers: ClinVar variation 1458988 (VCV001458988.8), dbSNP rs2124046210, ClinGen allele CA414677308.

ClinVar aggregate classification (germline): Pathogenic (1 of 4 stars; one submission).

Submission:

Labcorp Genetics (formerly Invitae), Labcorp
Classification: Pathogenic. Last evaluated: 2021-03-03. Review status: criteria provided, single submitter. Criteria: Invitae Variant Classification Sherloc (09022015). Collection method: clinical testing. Allele origin: germline.
Comment: This sequence change affects the initiator methionine of the FRMD7 mRNA. The next in-frame methionine is located at codon 78. This variant is not present in population databases (ExAC no frequency). This variant has been observed in individual(s) with idiopathic infantile nystagmus (PMID: 26268155). It has also been observed to segregate with disease in related individuals. This variant disrupts the p.Gly24 amino acid residue in FRMD7. Other variant(s) that disrupt this residue have been determined to be pathogenic (PMID: 18431453). This suggests that this residue is clinically significant, and that variants that disrupt this residue are likely to be disease-causing. For these reasons, this variant has been classified as Pathogenic.

Literature cited by the submitters: PubMed 26268155; PubMed 18431453.